The following is an entry in ClinVar:

NM_004447.6(EPS8):c.855A>C (p.Thr285=)

Gene: EPS8 (EGFR pathway substrate 8, signaling adaptor; minus strand). Cytogenetic location: 12p12.3.
Variant type: single nucleotide variant.
Coding change: c.855A>C on transcript NM_004447.6 (MANE Select); coding-DNA position 855, A replaced by C.
Protein change: p.Thr285=; no amino-acid change (threonine 285 retained).
Molecular consequence: synonymous variant.
Genome position (GRCh38, 1-based): chr12:15,660,696, T>G on the plus strand (A>C on the coding strand, the complement: EPS8 is on the minus strand). VCF-style: chr12-15660696-T-G. GRCh37 (hg19) VCF-style: chr12-15813630-T-G.
Identifiers: ClinVar variation 1199038 (VCV001199038.31), dbSNP rs71532817, ClinGen allele CA6467733.

ClinVar aggregate classification (germline): Likely benign. Review status: criteria provided, multiple submitters, no conflicts (2 of 4 stars). 5 submissions from 5 submitters: Likely benign (4). 1 of the submissions does not count toward it. Last evaluated 2025-08-05.

Conditions:
EPS8-related disorder. Also called: EPS8-related condition.

Allele frequency attached by ClinVar (database versions not stated): ESP Exome Variant Server 0.00023; gnomAD 0.00023 and 0.00024; ExAC 0.00026; TOPMed 0.00030; gnomAD exomes 0.00031.
gnomAD v4.1: 402 of 1,611,894 alleles (0.025%); highest among the groups gnomAD compares: Middle Eastern, 0.46%; no homozygotes.

Submissions (5):

Labcorp Genetics (formerly Invitae), Labcorp
Classification: Likely benign. Last evaluated: 2025-08-05. Review status: criteria provided, single submitter. Criteria: Invitae Variant Classification Sherloc (09022015). Collection method: clinical testing. Allele origin: germline.

CeGaT Center for Human Genetics Tuebingen
Classification: Likely benign. Last evaluated: 2024-05-01. Review status: criteria provided, single submitter. Criteria: CeGaT Center For Human Genetics Tuebingen Variant Classification Criteria Version 2. Collection method: clinical testing. Allele origin: germline. Affected: yes. Observed: 1 variant allele.
Comment: EPS8: BP4, BP7

GeneDx
Classification: Likely benign. Last evaluated: 2019-02-27. Review status: criteria provided, single submitter. Criteria: GeneDx Variant Classification Process June 2021. Collection method: clinical testing. Allele origin: germline. Affected: yes.

Breakthrough Genomics
Classification: Likely benign. Review status: criteria provided, single submitter. Criteria: ACMG Guidelines, 2015. Collection method: not provided. Allele origin: germline. Inheritance: Autosomal recessive inheritance. Affected: yes.

PreventionGenetics, part of Exact Sciences
Classification: Likely benign for EPS8-related condition. Last evaluated: 2020-03-16. Review status: no assertion criteria provided. Collection method: clinical testing. Allele origin: germline. Not counted in ClinVar's aggregate classification.
Comment: This variant is classified as likely benign based on ACMG/AMP sequence variant interpretation guidelines (Richards et al. 2015 PMID: 25741868, with internal and published modifications).